The following is an entry in ClinVar:

NM_002609.4(PDGFRB):c.2493C>T (p.Asn831=)

Gene: PDGFRB (platelet derived growth factor receptor beta; minus strand). Cytogenetic location: 5q32.
Variant type: single nucleotide variant.
Coding change: c.2493C>T on transcript NM_002609.4 (MANE Select); coding-DNA position 2493, C replaced by T.
Protein change: p.Asn831=; no amino-acid change (asparagine 831 retained).
Molecular consequence: synonymous variant.
Genome position (GRCh38, 1-based): chr5:150,120,981, G>A on the plus strand (C>T on the coding strand, the complement: PDGFRB is on the minus strand). VCF-style: chr5-150120981-G-A. GRCh37 (hg19) VCF-style: chr5-149500544-G-A.
Other names: c.2301C>T, p.Asn767= (NM_001355016.2); c.2010C>T, p.Asn670= (NM_001355017.2).
Identifiers: ClinVar variation 3032356 (VCV003032356.3), dbSNP rs760980000, ClinGen allele CA3507615.

ClinVar aggregate classification (germline): Likely benign. Review status: criteria provided, single submitter (1 of 4 stars). 2 submissions from 2 submitters: Likely benign (1). 1 of the submissions does not count toward it. Last evaluated 2024-03-04.

Conditions:
PDGFRB-related disorder. Also called: PDGFRB-related condition.

Allele frequency attached by ClinVar (database versions not stated): TOPMed 0.00004; gnomAD exomes 0.00006; ExAC 0.00007; gnomAD 0.00007.
gnomAD v4.1: 98 of 1,613,730 alleles (0.0061%); highest among the groups gnomAD compares: African/African-American, 0.012%; no homozygotes.

Submissions (2):

Blueprint Genetics
Classification: Likely benign. Last evaluated: 2024-03-04. Review status: criteria provided, single submitter. Criteria: ACMG Guidelines, 2015. Collection method: clinical testing. Allele origin: germline.

PreventionGenetics, part of Exact Sciences
Classification: Likely benign for PDGFRB-related condition. Last evaluated: 2023-09-10. Review status: no assertion criteria provided. Collection method: clinical testing. Allele origin: germline. Not counted in ClinVar's aggregate classification.
Comment: This variant is classified as likely benign based on ACMG/AMP sequence variant interpretation guidelines (Richards et al. 2015 PMID: 25741868, with internal and published modifications).